The following is an entry in ClinVar:

ClinVar aggregate classification (germline): Uncertain significance (1 of 4 stars; one submission).

Conditions:
PHGDH deficiency. Identifiers: Orphanet 79351, MedGen C1866174, MONDO:0011152, OMIM 601815.

Allele frequency attached by ClinVar (database versions not stated): TOPMed below 0.00001; gnomAD 0.00001.
gnomAD v4.1: 3 of 1,614,074 alleles (0.00019%); highest among the groups gnomAD compares: Admixed American, 0.0017%; no homozygotes.

Submission:

Labcorp Genetics (formerly Invitae), Labcorp
Classification: Uncertain significance for PHGDH deficiency. Last evaluated: 2021-10-25. Review status: criteria provided, single submitter. Criteria: Invitae Variant Classification Sherloc (09022015). Collection method: clinical testing. Allele origin: germline.
Comment: This sequence change replaces glutamic acid, which is acidic and polar, with alanine, which is neutral and non-polar, at codon 276 of the PHGDH protein (p.Glu276Ala). This variant is not present in population databases (gnomAD no frequency). This variant has not been reported in the literature in individuals affected with PHGDH-related conditions. Algorithms developed to predict the effect of missense changes on protein structure and function (SIFT, PolyPhen-2, Align-GVGD) all suggest that this variant is likely to be tolerated. In summary, the available evidence is currently insufficient to determine the role of this variant in disease. Therefore, it has been classified as a Variant of Uncertain Significance.

NM_006623.4(PHGDH):c.827A>C (p.Glu276Ala)

Gene: PHGDH (phosphoglycerate dehydrogenase; plus strand). Cytogenetic location: 1p12.
Variant type: single nucleotide variant.
Coding change: c.827A>C on transcript NM_006623.4 (MANE Select); coding-DNA position 827, A replaced by C.
Protein change: p.Glu276Ala; replaces glutamic acid 276 with alanine.
Molecular consequence: missense variant.
Genome position (GRCh38, 1-based): chr1:119,737,148, A>C. VCF-style: chr1-119737148-A-C. GRCh37 (hg19) VCF-style: chr1-120279771-A-C.
Other names: short protein forms E276A.
Identifiers: ClinVar variation 1508226 (VCV001508226.3), dbSNP rs1651975372, ClinGen allele CA341851142.